The following is an entry in ClinVar:

ClinVar aggregate classification (germline): Uncertain significance (1 of 4 stars; one submission).

gnomAD v4.1: 3 of 1,601,510 alleles (0.00019%); highest among the groups gnomAD compares: Non-Finnish European, 0.00026%; no homozygotes.

Submission:

GeneDx
Classification: Uncertain significance. Last evaluated: 2024-05-24. Review status: criteria provided, single submitter. Criteria: GeneDx Variant Classification Process June 2021. Collection method: clinical testing. Allele origin: germline. Affected: yes.
Comment: Has not been previously published as pathogenic or benign to our knowledge; Not observed at significant frequency in large population cohorts (gnomAD); Canonical splice site variant in a gene or region of a gene for which loss of function is not a well-established mechanism of disease

NM_001486.4(GCKR):c.495+2T>A

Gene: GCKR (glucokinase regulator; plus strand). Cytogenetic location: 2p23.3.
Variant type: single nucleotide variant.
Coding change: c.495+2T>A on transcript NM_001486.4 (MANE Select); the canonical splice donor site of the intron after coding-DNA position 495, T replaced by A.
Molecular consequence: splice donor variant.
Genome position (GRCh38, 1-based): chr2:27,499,210, T>A. VCF-style: chr2-27499210-T-A. GRCh37 (hg19) VCF-style: chr2-27722077-T-A.
Identifiers: ClinVar variation 3381669 (VCV003381669.1).